The following is an entry in ClinVar:

NM_007194.4(CHEK2):c.878A>T (p.Asp293Val)

Gene: CHEK2 (checkpoint kinase 2; minus strand). Cytogenetic location: 22q12.1.
Variant type: single nucleotide variant.
Coding change: c.878A>T on transcript NM_007194.4 (MANE Select); coding-DNA position 878, A replaced by T.
Protein change: p.Asp293Val; replaces aspartic acid 293 with valine.
Molecular consequence: missense variant.
Genome position (GRCh38, 1-based): chr22:28,703,535, T>A on the plus strand (A>T on the coding strand, the complement: CHEK2 is on the minus strand). VCF-style: chr22-28703535-T-A. GRCh37 (hg19) VCF-style: chr22-29099523-T-A.
Other names: c.1007A>T, p.Asp336Val (NM_001005735.3); c.215A>T, p.Asp72Val (NM_001257387.3); c.677A>T, p.Asp226Val (NM_001349956.3); c.878A>T, p.Asp293Val (NM_145862.3); short protein forms D293V, D336V, D226V, D72V.
Identifiers: ClinVar variation 479589 (VCV000479589.5), dbSNP rs932236548, ClinGen allele CA411101138.
Genomic context (GRCh38, chr22:28,703,535, plus strand): 5'-ACAGAAATTTTTAAAAAGTTTACTACTTACAATTCCAAAACAATATAATAATCTTCTGCA[T>A]CAAAAAAGTTTTTAATCTTGATGATGCAAGGCTAAGAAGAGGGGGAGAAAAAAGGGAAAG-3'
Protein context (NP_009125.1, residues 283-303): PCIIKIKNFF[Asp293Val]AEDYYIVLEL

ClinVar aggregate classification (germline): Uncertain significance (1 of 4 stars; one submission).

Conditions:
Hereditary cancer-predisposing syndrome. Also called: Hereditary Cancer Syndrome; Neoplastic Syndromes, Hereditary; Tumor predisposition; Hereditary neoplastic syndrome. Identifiers: Orphanet 140162, MedGen C0027672, MeSH D009386, MONDO:0015356.

Submission:

Ambry Genetics
Classification: Uncertain significance for Hereditary cancer-predisposing syndrome. Last evaluated: 2016-12-21. Review status: criteria provided, single submitter. Criteria: Ambry Variant Classification Scheme 2023. Collection method: clinical testing. Allele origin: germline.
Comment: The p.D293V variant (also known as c.878A>T), located in coding exon 7 of the CHEK2 gene, results from an A to T substitution at nucleotide position 878. The aspartic acid at codon 293 is replaced by valine, an amino acid with highly dissimilar properties. This amino acid position is not well conserved in available vertebrate species. In addition, the in silico prediction for this alteration is inconclusive. Since supporting evidence is limited at this time, the clinical significance of this alteration remains unclear.